The following is an entry in ClinVar:

NM_001830.4(CLCN4):c.1580G>C (p.Gly527Ala)

Gene: CLCN4 (chloride voltage-gated channel 4; plus strand). Cytogenetic location: Xp22.2.
Variant type: single nucleotide variant.
Coding change: c.1580G>C on transcript NM_001830.4 (MANE Select); coding-DNA position 1580, G replaced by C.
Protein change: p.Gly527Ala; replaces glycine 527 with alanine.
Molecular consequence: missense variant.
Genome position (GRCh38, 1-based): chrX:10,213,684, G>C. VCF-style: chrX-10213684-G-C. GRCh37 (hg19) VCF-style: chrX-10181724-G-C.
Other names: c.1298G>C, p.Gly433Ala (NM_001256944.2); short protein forms G433A, G527A.
Identifiers: ClinVar variation 3390680 (VCV003390680.1).

ClinVar aggregate classification (germline): Uncertain significance (1 of 4 stars; one submission).

Submission:

GeneDx
Classification: Uncertain significance. Last evaluated: 2024-06-09. Review status: criteria provided, single submitter. Criteria: GeneDx Variant Classification Process June 2021. Collection method: clinical testing. Allele origin: germline. Affected: yes.
Comment: Not observed at significant frequency in large population cohorts (gnomAD); In silico analysis supports that this missense variant has a deleterious effect on protein structure/function; In silico analysis suggests this variant may impact gene splicing. In the absence of RNA/functional studies, the actual effect of this sequence change is unknown.; Has not been previously published as pathogenic or benign to our knowledge